The following is an entry in ClinVar:

NM_004320.6(ATP2A1):c.629C>T (p.Ser210Leu)

Gene: ATP2A1 (ATPase sarcoplasmic/endoplasmic reticulum Ca2+ transporting 1; plus strand). Cytogenetic location: 16p11.2.
Variant type: single nucleotide variant.
Coding change: c.629C>T on transcript NM_004320.6 (MANE Select); coding-DNA position 629, C replaced by T.
Protein change: p.Ser210Leu; replaces serine 210 with leucine.
Molecular consequence: missense variant.
Genome position (GRCh38, 1-based): chr16:28,887,273, C>T. VCF-style: chr16-28887273-C-T. GRCh37 (hg19) VCF-style: chr16-28898594-C-T.
Other names: c.629C>T (NM_173201.4); c.254C>T, p.Ser85Leu (NM_001286075.2); c.629C>T, p.Ser210Leu (NM_173201.5); short protein forms S210L, S85L.
Identifiers: ClinVar variation 657766 (VCV000657766.8), dbSNP rs772693650, ClinGen allele CA279232009.
Genomic context (GRCh38, chr16:28,887,273, plus strand): 5'-ACACGGAGCCCGTTCCTGACCCCCGAGCTGTCAACCAGGACAAGAAGAACATGCTTTTCT[C>T]GGTGAGCAATCCGGGACCAGCCATCACACACTCAGTCAAGCCAGGTGCCCGGGTTGGAGA-3'
Protein context (NP_004311.1, residues 200-220): VNQDKKNMLF[Ser210Leu]GTNIAAGKAL

ClinVar aggregate classification (germline): Uncertain significance. Review status: criteria provided, multiple submitters, no conflicts (2 of 4 stars). 2 submissions from 2 submitters: Uncertain significance (2). Last evaluated 2025-03-24.

Conditions:
Brody myopathy. Also called: BRODY DISEASE. Identifiers: Orphanet 53347, MedGen C1832918, MONDO:0010977, OMIM 601003.

Allele frequency attached by ClinVar (database versions not stated): TOPMed below 0.00001; gnomAD exomes 0.00001.
gnomAD v4.1: 9 of 1,614,066 alleles (0.00056%); highest among the groups gnomAD compares: South Asian, 0.0033%; no homozygotes.

Submissions (2):

Revvity Omics, Revvity
Classification: Uncertain significance for Brody myopathy. Last evaluated: 2025-03-24. Review status: criteria provided, single submitter. Criteria: ACMG Guidelines, 2015. Collection method: clinical testing. Allele origin: germline.

Labcorp Genetics (formerly Invitae), Labcorp
Classification: Uncertain significance for Brody myopathy. Last evaluated: 2022-02-17. Review status: criteria provided, single submitter. Criteria: Invitae Variant Classification Sherloc (09022015). Collection method: clinical testing. Allele origin: germline.
Comment: This variant has not been reported in the literature in individuals affected with ATP2A1-related conditions. In summary, the available evidence is currently insufficient to determine the role of this variant in disease. Therefore, it has been classified as a Variant of Uncertain Significance. Algorithms developed to predict the effect of sequence changes on RNA splicing suggest that this variant is not likely to affect RNA splicing. Algorithms developed to predict the effect of missense changes on protein structure and function are either unavailable or do not agree on the potential impact of this missense change (SIFT: "Deleterious"; PolyPhen-2: "Probably Damaging"; Align-GVGD: "Class C0"). ClinVar contains an entry for this variant (Variation ID: 657766). This variant is present in population databases (rs772693650, gnomAD 0.007%). This sequence change replaces serine, which is neutral and polar, with leucine, which is neutral and non-polar, at codon 210 of the ATP2A1 protein (p.Ser210Leu).